The following is an entry in ClinVar:

NM_030962.4(SBF2):c.*1515G>A

Genes: SBF2 (SET binding factor 2; minus strand), SBF2-AS1 (SBF2 antisense RNA 1; plus strand). Cytogenetic location: 11p15.4.
Variant type: single nucleotide variant.
Coding change: c.*1515G>A on transcript NM_030962.4 (MANE Select); 1515 bases downstream of the stop codon, G replaced by A.
Molecular consequence: 3 prime UTR variant.
Genome position (GRCh38, 1-based): chr11:9,778,903, C>T on the plus strand (G>A on the coding strand, the complement: SBF2 is on the minus strand). VCF-style: chr11-9778903-C-T. GRCh37 (hg19) VCF-style: chr11-9800450-C-T.
Other names: c.*1515G>A (NM_001386339.1, NM_001386342.1).
Identifiers: ClinVar variation 306552 (VCV000306552.6), dbSNP rs1045634, ClinGen allele CA10631777.

ClinVar aggregate classification (germline): Benign. Review status: criteria provided, multiple submitters, no conflicts (2 of 4 stars). 2 submissions from 2 submitters: Benign (2). Last evaluated 2018-01-13.

Conditions:
Charcot-Marie-Tooth disease type 4B2. Also called: Charcot-Marie-Tooth Neuropathy Type 4B2; CHARCOT-MARIE-TOOTH DISEASE, WITH FOCALLY FOLDED MYELIN SHEATHS, AUTOSOMAL RECESSIVE, TYPE 4B2; CMT 4B2; CHARCOT-MARIE-TOOTH DISEASE, DEMYELINATING, TYPE 4B2. Identifiers: Orphanet 99956, MedGen C1858278, MONDO:0011475, OMIM 604563.

Allele frequency attached by ClinVar (database versions not stated): 1000 Genomes Project 30x 0.27592; 1000 Genomes Project 0.27616; TOPMed 0.31730; gnomAD 0.33338 and 0.33744; gnomAD exomes 0.48131.
gnomAD v4.1: 50,988 of 152,540 alleles (33%); highest among the groups gnomAD compares: Non-Finnish European, 40%; 9,206 homozygotes.

Submissions (2):

Illumina Laboratory Services, Illumina
Classification: Benign for Charcot-Marie-Tooth disease type 4B2. Last evaluated: 2018-01-13. Review status: criteria provided, single submitter. Criteria: ICSL Variant Classification Criteria 13 December 2019. Collection method: clinical testing. Allele origin: germline.
Comment: This variant was observed in the ICSL laboratory as part of a predisposition screen in an ostensibly healthy population. It had not been previously curated by ICSL or reported in the Human Gene Mutation Database (HGMD: prior to June 1st, 2018), and was therefore a candidate for classification through an automated scoring system. Utilizing variant allele frequency, disease prevalence and penetrance estimates, and inheritance mode, an automated score was calculated to assess if this variant is too frequent to cause the disease. Based on the score and internal cut-off values, a variant classified as benign is not then subjected to further curation. The score for this variant resulted in a classification of benign for this disease.

Breakthrough Genomics
Classification: Benign. Review status: criteria provided, single submitter. Criteria: ACMG Guidelines, 2015. Collection method: not provided. Allele origin: germline. Inheritance: Autosomal recessive inheritance. Affected: yes.